The following is an entry in ClinVar:

NM_001197104.2(KMT2A):c.4478A>C (p.Lys1493Thr)

Gene: KMT2A (lysine methyltransferase 2A; plus strand). Cytogenetic location: 11q23.3.
Variant type: single nucleotide variant.
Coding change: c.4478A>C on transcript NM_001197104.2 (MANE Select); coding-DNA position 4478, A replaced by C.
Protein change: p.Lys1493Thr; replaces lysine 1493 with threonine.
Molecular consequence: missense variant.
Genome position (GRCh38, 1-based): chr11:118,488,759, A>C. VCF-style: chr11-118488759-A-C. GRCh37 (hg19) VCF-style: chr11-118359474-A-C.
Other names: c.4577A>C, p.Lys1526Thr (NM_001412597.1); c.4478A>C, p.Lys1493Thr (NM_005933.4); short protein forms K1493T, K1526T.
Identifiers: ClinVar variation 3766072 (VCV003766072.1).

ClinVar aggregate classification (germline): Uncertain significance (1 of 4 stars; one submission).

Submission:

GeneDx
Classification: Uncertain significance. Last evaluated: 2024-09-03. Review status: criteria provided, single submitter. Criteria: GeneDx Variant Classification Process June 2021. Collection method: clinical testing. Allele origin: germline. Affected: yes.
Comment: Not observed at significant frequency in large population cohorts (gnomAD); In silico analysis supports that this missense variant has a deleterious effect on protein structure/function; In silico analysis supports a deleterious effect on splicing; Has not been previously published as pathogenic or benign to our knowledge